The following is an entry in ClinVar:

NM_000293.3(PHKB):c.76+2526_76+2527insGTCTTCCGCTTTC

Gene: PHKB (phosphorylase kinase regulatory subunit beta; plus strand). Cytogenetic location: 16q12.1.
Variant type: Insertion.
Coding change: c.76+2526_76+2527insGTCTTCCGCTTTC on transcript NM_000293.3 (MANE Select); bases 2526 to 2527 of the intron after coding-DNA position 76, GTCTTCCGCTTTC inserted.
Molecular consequence: intron variant. On other transcripts: frameshift variant (1).
Genome position: GRCh38 VCF-style: chr16-47463951-C-CCGTCTTCCGCTTT. GRCh37 (hg19) VCF-style: chr16-47497862-C-CCGTCTTCCGCTTT.
Other names: c.14_15insGTCTTCCGCTTTC, p.Asp6fs (NM_001031835.3); c.76+2526_76+2527insGTCTTCCGCTTTC (NM_001363837.1); short protein forms D6fs.
Identifiers: ClinVar variation 3648129 (VCV003648129.2).
Genomic context (GRCh38, chr16:47,463,951, plus strand): 5'-TGCTATAGCTTAGCCTGCGACGCTTATGATTAGAGCCAACAATTTGAAATGGCCTGCTCA[C>CCGTCTTCCGCTTT]CTGATGCAGTCGTCTCTCCGTCTTCCGCTTTCTTAAGGTCTGGTAAGTGTTGTAGACCCC-3'

ClinVar aggregate classification (germline): Pathogenic (1 of 4 stars; one submission).

Conditions:
Glycogen storage disease IXb (GSD9B). Also called: GLYCOGENOSIS OF LIVER AND MUSCLE, AUTOSOMAL RECESSIVE; GSD IXb; PHOSPHORYLASE KINASE DEFICIENCY OF LIVER AND MUSCLE, AUTOSOMAL RECESSIVE. Identifiers: Orphanet 79240, MedGen C0543514, MONDO:0009868, OMIM 261750.

Submission:

Labcorp Genetics (formerly Invitae), Labcorp
Classification: Pathogenic for Glycogen storage disease IXb. Last evaluated: 2024-03-29. Review status: criteria provided, single submitter. Criteria: Invitae Variant Classification Sherloc (09022015). Collection method: clinical testing. Allele origin: germline.
Comment: The PHKB gene has multiple clinically relevant transcripts. This variant occurs in alternate transcript NM_001031835.2, and corresponds to NM_000293.2:c.76+2527_76+2530delins17 in the primary transcript. This sequence change creates a premature translational stop signal (p.Asp6Serfs*22) in the PHKB gene. It is expected to result in an absent or disrupted protein product. Loss-of-function variants in PHKB are known to be pathogenic (PMID: 9215682, 9326319). Information on the frequency of this variant in the gnomAD database is not available, as this variant may be reported differently in the database. This variant has not been reported in the literature in individuals affected with PHKB-related conditions. For these reasons, this variant has been classified as Pathogenic.

Literature cited by the submitters: PubMed 9215682; PubMed 9326319.